The following is an entry in ClinVar:

ClinVar aggregate classification (germline): Likely benign. Review status: criteria provided, single submitter (1 of 4 stars). 2 submissions from 2 submitters: Likely benign (1). 1 of the submissions does not count toward it. Last evaluated 2025-09-01.

Conditions:
MAPK8IP3-related disorder. Also called: MAPK8IP3-related condition.

gnomAD v4.1: 225 of 1,579,108 alleles (0.014%); highest among the groups gnomAD compares: Middle Eastern, 0.018%; no homozygotes.

Submissions (2):

CeGaT Center for Human Genetics Tuebingen
Classification: Likely benign. Last evaluated: 2025-09-01. Review status: criteria provided, single submitter. Criteria: CeGaT Center For Human Genetics Tuebingen Variant Classification Criteria Version 2. Collection method: clinical testing. Allele origin: germline. Affected: yes. Observed: 1 variant allele.
Comment: MAPK8IP3: BP4, BS2

PreventionGenetics, part of Exact Sciences
Classification: Likely benign for MAPK8IP3-related condition. Last evaluated: 2024-04-23. Review status: no assertion criteria provided. Collection method: clinical testing. Allele origin: germline. Not counted in ClinVar's aggregate classification.
Comment: This variant is classified as likely benign based on ACMG/AMP sequence variant interpretation guidelines (Richards et al. 2015 PMID: 25741868, with internal and published modifications).

NM_001318852.2(MAPK8IP3):c.2165A>G (p.Asn722Ser)

Gene: MAPK8IP3 (mitogen-activated protein kinase 8 interacting protein 3; plus strand). Cytogenetic location: 16p13.3.
Variant type: single nucleotide variant.
Coding change: c.2165A>G on transcript NM_001318852.2 (MANE Select); coding-DNA position 2165, A replaced by G.
Protein change: p.Asn722Ser; replaces asparagine 722 with serine.
Molecular consequence: missense variant.
Genome position (GRCh38, 1-based): chr16:1,764,344, A>G. VCF-style: chr16-1764344-A-G. GRCh37 (hg19) VCF-style: chr16-1814345-A-G.
Other names: c.2144A>G, p.Asn715Ser (NM_001040439.2); c.2162A>G, p.Asn721Ser (NM_015133.5); short protein forms N715S, N721S, N722S.
Identifiers: ClinVar variation 3351398 (VCV003351398.8).